The following is an entry in ClinVar:

NM_024426.6(WT1):c.481T>G (p.Cys161Gly)

Genes: WT1 (WT1 transcription factor; minus strand), LOC107982234 (WT1/WT1-AS bi-directional promoter region; plus strand). Cytogenetic location: 11p13.
Variant type: single nucleotide variant.
Coding change: c.481T>G on transcript NM_024426.6 (MANE Select); coding-DNA position 481, T replaced by G.
Protein change: p.Cys161Gly; replaces cysteine 161 with glycine.
Molecular consequence: missense variant. On other transcripts: non-coding transcript variant (2).
Genome position (GRCh38, 1-based): chr11:32,434,880, A>C on the plus strand (T>G on the coding strand, the complement: WT1 is on the minus strand). VCF-style: chr11-32434880-A-C. GRCh37 (hg19) VCF-style: chr11-32456426-A-C.
Other names: c.481T>G, p.Cys161Gly (NM_000378.6, NM_001407044.1, NM_001407045.1 and 6 more transcripts); c.466T>G, p.Cys156Gly (NM_024425.2); short protein forms C156G, C161G.
Identifiers: ClinVar variation 2930097 (VCV002930097.3), dbSNP rs2133102906, ClinGen allele CA379964931.

ClinVar aggregate classification (germline): Uncertain significance (1 of 4 stars; one submission).

Conditions:
Drash syndrome (DDS). Also called: NEPHROPATHY, WILMS TUMOR, AND GENITAL ANOMALIES; WILMS TUMOR AND PSEUDO- OR TRUE HERMAPHRODITISM. Identifiers: Orphanet 220, MedGen C0950121, MONDO:0008682, OMIM 194080.
Wilms tumor 1 (WT1). Also called: Wilms tumor, somatic. Identifiers: Orphanet 654, MedGen CN033288, MONDO:0008679, OMIM 194070.
11p partial monosomy syndrome (WAGR). Also called: CHROMOSOME 11p13 DELETION SYNDROME; WAGR Spectrum Disorder; WAGR syndrome; WAGR Complex. Identifiers: Orphanet 893, MedGen C0206115, MONDO:0008681, OMIM 194072.
Frasier syndrome. Identifiers: Orphanet 347, MedGen C0950122, MeSH D052159, MONDO:0007635, OMIM 136680.

Submission:

Labcorp Genetics (formerly Invitae), Labcorp
Classification: Uncertain significance for Wilms tumor 1; Drash syndrome; 11p partial monosomy syndrome; Frasier syndrome. Last evaluated: 2022-11-01. Review status: criteria provided, single submitter. Criteria: Invitae Variant Classification Sherloc (09022015). Collection method: clinical testing. Allele origin: germline.
Comment: In summary, the available evidence is currently insufficient to determine the role of this variant in disease. Therefore, it has been classified as a Variant of Uncertain Significance. Algorithms developed to predict the effect of missense changes on protein structure and function are either unavailable or do not agree on the potential impact of this missense change (SIFT: "Deleterious"; PolyPhen-2: "Benign"; Align-GVGD: "Class C0"). This variant has not been reported in the literature in individuals affected with WT1-related conditions. This variant is not present in population databases (gnomAD no frequency). This sequence change replaces cysteine, which is neutral and slightly polar, with glycine, which is neutral and non-polar, at codon 156 of the WT1 protein (p.Cys156Gly).